The following is an entry in ClinVar:

NM_001267550.2(TTN):c.43501A>G (p.Thr14501Ala)

Gene: TTN (titin; minus strand). Cytogenetic location: 2q31.2.
Variant type: single nucleotide variant.
Coding change: c.43501A>G on transcript NM_001267550.2 (MANE Select); coding-DNA position 43501, A replaced by G.
Protein change: p.Thr14501Ala; replaces threonine 14501 with alanine.
Molecular consequence: missense variant.
Genome position (GRCh38, 1-based): chr2:178,632,393, T>C on the plus strand (A>G on the coding strand, the complement: TTN is on the minus strand). VCF-style: chr2-178632393-T-C. GRCh37 (hg19) VCF-style: chr2-179497120-T-C.
Other names: c.38578A>G, p.Thr12860Ala (NM_001256850.1); c.16306A>G, p.Thr5436Ala (NM_003319.4); c.35797A>G, p.Thr11933Ala (NM_133378.4); c.16681A>G, p.Thr5561Ala (NM_133432.3); c.16882A>G, p.Thr5628Ala (NM_133437.4); short protein forms T14501A, T11933A, T12860A, T5436A, T5628A, T5561A.
Identifiers: ClinVar variation 535245 (VCV000535245.9), dbSNP rs764500643, ClinGen allele CA1995845.

ClinVar aggregate classification (germline): Uncertain significance. Review status: criteria provided, multiple submitters, no conflicts (2 of 4 stars). 4 submissions from 4 submitters: Uncertain significance (4). Last evaluated 2025-07-23.

Conditions:
Cardiovascular phenotype. Identifiers: MedGen CN230736.
TTN-related disorder. Also called: TTN-related condition; TTN-related disease; TTN-related disorders.
Dilated cardiomyopathy 1G (CMD1G). Identifiers: Orphanet 154, MedGen C1858763, MONDO:0011400, OMIM 604145.
Autosomal recessive limb-girdle muscular dystrophy type 2J (LGMDR10). Also called: MUSCULAR DYSTROPHY, LIMB-GIRDLE, AUTOSOMAL RECESSIVE 10; Limb-girdle muscular dystrophy, type 2J. Identifiers: Orphanet 140922, MedGen C1837342, MONDO:0012127, OMIM 608807.

Allele frequency attached by ClinVar (database versions not stated): gnomAD exomes 0.00001 and 0.00002; ExAC 0.00002; TOPMed 0.00005; gnomAD 0.00006.
gnomAD v4.1: 20 of 1,591,876 alleles (0.0013%); highest among the groups gnomAD compares: African/African-American, 0.027%; no homozygotes.

Submissions (4):

PreventionGenetics, part of Exact Sciences
Classification: Uncertain significance for TTN-related condition. Last evaluated: 2025-07-23. Review status: criteria provided, single submitter. Criteria: ACMG Guidelines, 2015. Collection method: clinical testing. Allele origin: germline.
Comment: The TTN c.43501A>G variant is predicted to result in the amino acid substitution p.Thr14501Ala. To our knowledge, this variant has not been reported in the literature. This variant is reported in 0.039% of alleles in individuals of African descent in gnomAD. At this time, the clinical significance of this variant is uncertain due to the absence of conclusive functional and genetic evidence.

Revvity Omics, Revvity
Classification: Uncertain significance. Last evaluated: 2021-03-22. Review status: criteria provided, single submitter. Criteria: ACMG Guidelines, 2015. Collection method: clinical testing. Allele origin: germline.

Ambry Genetics
Classification: Uncertain significance for Cardiovascular phenotype. Last evaluated: 2020-02-12. Review status: criteria provided, single submitter. Criteria: Ambry Variant Classification Scheme 2023. Collection method: clinical testing. Allele origin: germline.
Comment: The p.T5436A variant (also known as c.16306A>G), located in coding exon 63 of the TTN gene, results from an A to G substitution at nucleotide position 16306. The threonine at codon 5436 is replaced by alanine, an amino acid with similar properties. This amino acid position is not well conserved in available vertebrate species. In addition, this alteration is predicted to be tolerated by in silico analysis. Since supporting evidence is limited at this time, the clinical significance of this alteration remains unclear.

Labcorp Genetics (formerly Invitae), Labcorp
Classification: Uncertain significance for Dilated cardiomyopathy 1G; Autosomal recessive limb-girdle muscular dystrophy type 2J. Last evaluated: 2017-12-07. Review status: criteria provided, single submitter. Criteria: Invitae Variant Classification Sherloc (09022015). Collection method: clinical testing. Allele origin: germline.